The following is an entry in ClinVar:

NM_006767.4(LZTR1):c.2275T>C (p.Tyr759His)

Gene: LZTR1 (leucine zipper like post translational regulator 1; plus strand). Cytogenetic location: 22q11.21.
Variant type: single nucleotide variant.
Coding change: c.2275T>C on transcript NM_006767.4 (MANE Select); coding-DNA position 2275, T replaced by C.
Protein change: p.Tyr759His; replaces tyrosine 759 with histidine.
Molecular consequence: missense variant.
Genome position (GRCh38, 1-based): chr22:20,996,751, T>C. VCF-style: chr22-20996751-T-C. GRCh37 (hg19) VCF-style: chr22-21351040-T-C.
Other names: c.2275T>C (NM_006767.3); short protein forms Y759H.
Identifiers: ClinVar variation 2070627 (VCV002070627.5), dbSNP rs2518625736, ClinGen allele CA410780837.

ClinVar aggregate classification (germline): Uncertain significance. Review status: criteria provided, multiple submitters, no conflicts (2 of 4 stars). 2 submissions from 2 submitters: Uncertain significance (2). Last evaluated 2025-06-18.

Conditions:
Hereditary cancer-predisposing syndrome. Also called: Neoplastic Syndromes, Hereditary; Hereditary Cancer Syndrome; Tumor predisposition; Hereditary neoplastic syndrome. Identifiers: Orphanet 140162, MedGen C0027672, MeSH D009386, MONDO:0015356.
Cardiovascular phenotype. Identifiers: MedGen CN230736.

Allele frequency attached by ClinVar (database versions not stated): gnomAD exomes below 0.00001.
gnomAD v4.1: 1 of 1,613,430 alleles (0.000062%); highest among the groups gnomAD compares: Non-Finnish European, 0.000085%; no homozygotes.

Submissions (2):

Ambry Genetics
Classification: Uncertain significance for Cardiovascular phenotype; Hereditary cancer-predisposing syndrome. Last evaluated: 2025-06-18. Review status: criteria provided, single submitter. Criteria: Ambry Variant Classification Scheme 2023. Collection method: clinical testing. Allele origin: germline.
Comment: The p.Y759H variant (also known as c.2275T>C), located in coding exon 19 of the LZTR1 gene, results from a T to C substitution at nucleotide position 2275. The tyrosine at codon 759 is replaced by histidine, an amino acid with similar properties. This amino acid position is conserved. In addition, the in silico prediction for this alteration is inconclusive. Based on the available evidence, the clinical significance of this variant remains unclear.

Labcorp Genetics (formerly Invitae), Labcorp
Classification: Uncertain significance. Last evaluated: 2023-08-10. Review status: criteria provided, single submitter. Criteria: Invitae Variant Classification Sherloc (09022015). Collection method: clinical testing. Allele origin: germline.
Comment: This sequence change replaces tyrosine, which is neutral and polar, with histidine, which is basic and polar, at codon 759 of the LZTR1 protein (p.Tyr759His). This variant is not present in population databases (gnomAD no frequency). This variant has not been reported in the literature in individuals affected with LZTR1-related conditions. ClinVar contains an entry for this variant (Variation ID: 2070627). Advanced modeling of protein sequence and biophysical properties (such as structural, functional, and spatial information, amino acid conservation, physicochemical variation, residue mobility, and thermodynamic stability) performed at Invitae indicates that this missense variant is not expected to disrupt LZTR1 protein function. In summary, the available evidence is currently insufficient to determine the role of this variant in disease. Therefore, it has been classified as a Variant of Uncertain Significance.